The following is an entry in ClinVar:

ClinVar aggregate classification (germline): Pathogenic (1 of 4 stars; one submission).

Conditions:
Neurofibromatosis, type 1 (NF1). Also called: Peripheral type neurofibromatosis; VON RECKLINGHAUSEN DISEASE; Neurofibromatosis, type I; NEUROFIBROMATOSIS, TYPE I, SOMATIC. Identifiers: Orphanet 636, MedGen C0027831, MONDO:0018975, OMIM 162200. Disease mechanism: loss of function.

Submission:

Labcorp Genetics (formerly Invitae), Labcorp
Classification: Pathogenic for Neurofibromatosis, type 1. Last evaluated: 2024-08-29. Review status: criteria provided, single submitter. Criteria: Invitae Variant Classification Sherloc (09022015). Collection method: clinical testing. Allele origin: germline.
Comment: This sequence change creates a premature translational stop signal (p.Ser1072Asnfs*16) in the NF1 gene. It is expected to result in an absent or disrupted protein product. Loss-of-function variants in NF1 are known to be pathogenic (PMID: 10712197, 23913538). This variant is not present in population databases (gnomAD no frequency). This premature translational stop signal has been observed in individual(s) with neurofibromatosis type 1 (PMID: 25325900). ClinVar contains an entry for this variant (Variation ID: 841847). For these reasons, this variant has been classified as Pathogenic.

Literature cited by the submitters: PubMed 10712197; PubMed 23913538; PubMed 25325900.

NM_001042492.3(NF1):c.3215_3216del (p.Ser1072fs)

Gene: NF1 (neurofibromin 1; plus strand). Cytogenetic location: 17q11.2.
Variant type: Deletion.
Coding change: c.3215_3216del on transcript NM_001042492.3 (MANE Select); coding-DNA positions 3215 to 3216, 2 bases deleted (GC; older notation c.3215_3216delGC).
Protein change: p.Ser1072fs; shifts the reading frame from serine 1072.
Molecular consequence: frameshift variant.
Genome position (GRCh38, 1-based): chr17:31,232,090-31,232,091, GC deleted. VCF-style (leftmost placement, unchanged base first): chr17-31232089-AGC-A. GRCh37 (hg19) VCF-style: chr17-29559107-AGC-A.
Other names: c.3215_3216delGC, p.Ser1072Asnfs (NM_000267.4); short protein forms S1072fs.
Identifiers: ClinVar variation 841847 (VCV000841847.6), dbSNP rs2067122345, ClinGen allele CA916080651.